The following is an entry in ClinVar:

ClinVar aggregate classification (germline): Likely pathogenic. Review status: criteria provided, single submitter (1 of 4 stars). 2 submissions from 2 submitters: Likely pathogenic (1). 1 of the submissions does not count toward it. Last evaluated 2018-10-15.

Conditions:
Short-rib thoracic dysplasia 19 with or without polydactyly. Identifiers: MedGen C4693524, MONDO:0033485, OMIM 617895.

Allele frequency attached by ClinVar (database versions not stated): gnomAD exomes below 0.00001.
gnomAD v4.1: 1 of 1,321,326 alleles (0.000076%); highest among the groups gnomAD compares: Non-Finnish European, 0.0001%; no homozygotes.

Submissions (2):

SIB Swiss Institute of Bioinformatics
Classification: Likely pathogenic for Short-rib thoracic dysplasia 19 with or without polydactyly. Last evaluated: 2018-10-15. Review status: criteria provided, single submitter. Criteria: ACMG Guidelines, 2015. Collection method: curation. Allele origin: unknown.
Comment: This variant is interpreted as Likely Pathogenic, for Short-rib thoracic dysplasia 19 with or without polydactyly, autosomal recessive. The following ACMG Tag(s) were applied: PM2 => Absent from controls (or at extremely low frequency if recessive) in Exome Sequencing Project, 1000 Genomes Project, or Exome Aggregation Consortium. PVS1-Strong => PVS1 downgraded in strength to Strong.

OMIM
Classification: Pathogenic for SHORT-RIB THORACIC DYSPLASIA 19 WITH POLYDACTYLY. Last evaluated: 2021-10-08. Review status: no assertion criteria provided. Collection method: literature only. Allele origin: germline. Not counted in ClinVar's aggregate classification.

Literature cited by the submitters: PubMed 27666822 (cited by OMIM).

NM_014055.4(IFT81):c.785T>G (p.Leu262Ter)

Gene: IFT81 (intraflagellar transport 81; plus strand). Cytogenetic location: 12q24.11.
Variant type: single nucleotide variant.
Coding change: c.785T>G on transcript NM_014055.4 (MANE Select); coding-DNA position 785, T replaced by G.
Protein change: p.Leu262Ter; replaces leucine 262 with a stop codon.
Molecular consequence: nonsense. On other transcripts: non-coding transcript variant (3), intron variant (2).
Genome position (GRCh38, 1-based): chr12:110,143,385, T>G. VCF-style: chr12-110143385-T-G. GRCh37 (hg19) VCF-style: chr12-110581190-T-G.
Other names: c.785T>G, p.Leu262Ter (NM_001143779.2, NM_001347946.2, NM_031473.4); c.16-3568T>G (NM_001347948.2, NM_001347947.2); short protein forms L262*.
Identifiers: ClinVar variation 495123 (VCV000495123.3), dbSNP rs576969206, ClinGen allele CA386910857.
Genomic context (GRCh38, chr12:110,143,385, plus strand): 5'-AGAATATCACTGTACCTACTCTTTTGGGCTGAATATTTATTTATTTTATTTTTAAAGGTT[T>G]AATGAAGAGGCTAGAGGAGGAGATAAAATTTAATTTATATATGGTAACTGAAAAATTTCC-3'